The following is an entry in ClinVar:

NC_000009.11:g.(?_133327616)_(133589862_?)dup

Genes: ABL1 (ABL proto-oncogene 1, non-receptor tyrosine kinase; plus strand), ASS1 (argininosuccinate synthase 1; plus strand), EXOSC2 (exosome component 2; plus strand), FUBP3 (far upstream element binding protein 3; plus strand), PRDM12 (PR/SET domain 12; plus strand). Cytogenetic location: 9q34.11-34.12.
Variant type: Duplication.
Identifiers: ClinVar variation 1371850 (VCV001371850.9).

ClinVar aggregate classification (germline): Uncertain significance (1 of 4 stars; one submission).

Conditions:
Citrullinemia. Identifiers: Orphanet 187, MedGen C0175683, MONDO:0015991.

Submission:

Labcorp Genetics (formerly Invitae), Labcorp
Classification: Uncertain significance for Citrullinemia. Last evaluated: 2022-08-15. Review status: criteria provided, single submitter. Criteria: Invitae Variant Classification Sherloc (09022015). Collection method: clinical testing. Allele origin: germline.
Comment: A copy number gain of the genomic region encompassing the full coding sequence of the ASS1 gene has been identified. The boundaries of this event are unknown as they extend beyond the assayed region for this gene and therefore may encompass additional genes. As the precise location of this event is unknown, it may be in tandem or it may be located elsewhere in the genome. This variant has not been reported in the literature in individuals affected with ASS1-related conditions. In summary, the available evidence is currently insufficient to determine the role of this variant in disease. Therefore, it has been classified as a Variant of Uncertain Significance.